The following is an entry in ClinVar:

NR_199791.1(RNU2-2):n.154C>T

Genes: RNU2-2 (RNA, U2 small nuclear 2; minus strand), WDR74 (WD repeat domain 74; minus strand). Cytogenetic location: 11q12.3.
Variant type: single nucleotide variant.
Molecular consequence: non-coding transcript variant (on NR_199791.1). On other transcripts: 5 prime UTR variant (1).
Genome position: GRCh38 VCF-style: chr11-62841656-G-A. GRCh37 (hg19) VCF-style: chr11-62609128-G-A.
Other names: c.-385C>T (NM_001369451.1).
Identifiers: ClinVar variation 4540533 (VCV004540533.1).

ClinVar aggregate classification (germline): Uncertain significance (1 of 4 stars; one submission).

Submission:

Institute for Human Genetics, University Hospital Essen
Classification: Uncertain significance. Last evaluated: 2025-11-27. Review status: criteria provided, single submitter. Criteria: Submitter's publication. Collection method: clinical testing. Allele origin: inherited. Inheritance: Autosomal unknown. Affected: yes. Observed: 1 variant allele, 1 compound heterozygote.
Comment: PM1_supp, PM3 (criteria rationale detailed in Leitão et al. Nature Genetics 2026)